The following is an entry in ClinVar:

NM_015072.5(TTLL5):c.3049G>A (p.Ala1017Thr)

Gene: TTLL5 (tubulin tyrosine ligase like 5; plus strand). Cytogenetic location: 14q24.3.
Variant type: single nucleotide variant.
Coding change: c.3049G>A on transcript NM_015072.5 (MANE Select); coding-DNA position 3049, G replaced by A.
Protein change: p.Ala1017Thr; replaces alanine 1017 with threonine.
Molecular consequence: missense variant.
Genome position (GRCh38, 1-based): chr14:75,792,978, G>A. VCF-style: chr14-75792978-G-A. GRCh37 (hg19) VCF-style: chr14-76259321-G-A.
Other names: short protein forms A1017T.
Identifiers: ClinVar variation 1487321 (VCV001487321.8), dbSNP rs1892808918, ClinGen allele CA390473251.

ClinVar aggregate classification (germline): Uncertain significance (1 of 4 stars; one submission).

Allele frequency attached by ClinVar (database versions not stated): gnomAD exomes below 0.00001.
gnomAD v4.1: 3 of 1,613,256 alleles (0.00019%); highest among the groups gnomAD compares: Non-Finnish European, 0.000085%; no homozygotes.

Submission:

Labcorp Genetics (formerly Invitae), Labcorp
Classification: Uncertain significance. Last evaluated: 2024-02-24. Review status: criteria provided, single submitter. Criteria: Invitae Variant Classification Sherloc (09022015). Collection method: clinical testing. Allele origin: germline.
Comment: This sequence change replaces alanine, which is neutral and non-polar, with threonine, which is neutral and polar, at codon 1017 of the TTLL5 protein (p.Ala1017Thr). This variant is not present in population databases (gnomAD no frequency). This variant has not been reported in the literature in individuals affected with TTLL5-related conditions. ClinVar contains an entry for this variant (Variation ID: 1487321). Advanced modeling of protein sequence and biophysical properties (such as structural, functional, and spatial information, amino acid conservation, physicochemical variation, residue mobility, and thermodynamic stability) performed at Invitae indicates that this missense variant is not expected to disrupt TTLL5 protein function with a negative predictive value of 80%. In summary, the available evidence is currently insufficient to determine the role of this variant in disease. Therefore, it has been classified as a Variant of Uncertain Significance.